The following is an entry in ClinVar:

NM_006206.6(PDGFRA):c.180C>T (p.Pro60=)

Gene: PDGFRA (platelet derived growth factor receptor alpha; plus strand). Cytogenetic location: 4q12.
Variant type: single nucleotide variant.
Coding change: c.180C>T on transcript NM_006206.6 (MANE Select); coding-DNA position 180, C replaced by T.
Protein change: p.Pro60=; no amino-acid change (proline 60 retained).
Molecular consequence: synonymous variant.
Genome position (GRCh38, 1-based): chr4:54,261,225, C>T. VCF-style: chr4-54261225-C-T. GRCh37 (hg19) VCF-style: chr4-55127392-C-T.
Other names: c.180C>T, p.Pro60= (NM_001347827.2, NM_001347829.2); c.255C>T, p.Pro85= (NM_001347828.2); c.219C>T, p.Pro73= (NM_001347830.2).
Identifiers: ClinVar variation 459024 (VCV000459024.16), dbSNP rs766653684, ClinGen allele CA2922240.

ClinVar aggregate classification (germline): Benign/Likely benign. Review status: criteria provided, multiple submitters, no conflicts (2 of 4 stars). 4 submissions from 4 submitters: Benign (2); Likely benign (2). Last evaluated 2026-06-16.

Conditions:
Hereditary cancer-predisposing syndrome. Also called: Tumor predisposition; Hereditary neoplastic syndrome; Neoplastic Syndromes, Hereditary; Hereditary Cancer Syndrome. Identifiers: Orphanet 140162, MedGen C0027672, MeSH D009386, MONDO:0015356.
Polyps, multiple and recurrent inflammatory fibroid, gastrointestinal. Identifiers: MedGen C5193005, MONDO:0008285, OMIM 175510.
Gastrointestinal stromal tumor. Also called: Gastrointestinal stroma tumor; Gastrointestinal stromal tumor, somatic. Identifiers: Orphanet 44890, MedGen C0238198, MeSH D046152, MONDO:0011719, OMIM 606764, HP:0100723.

Allele frequency attached by ClinVar (database versions not stated): gnomAD exomes 0.00001; ExAC 0.00002.
gnomAD v4.1: 5 of 1,614,052 alleles (0.00031%); highest among the groups gnomAD compares: Non-Finnish European, 0.00034%; no homozygotes.

Submissions (4):

Myriad Genetics, Inc.
Classification: Benign for Polyps, multiple and recurrent inflammatory fibroid, gastrointestinal. Last evaluated: 2026-06-16. Review status: criteria provided, single submitter. Criteria: Myriad Autosomal Dominant, Autosomal Recessive and X-Linked Classification Criteria (2023). Collection method: clinical testing. Allele origin: unknown.
Comment: This variant is considered benign. This variant is a silent/synonymous amino acid change and it is not expected to impact splicing.

Labcorp Genetics (formerly Invitae), Labcorp
Classification: Likely benign for Gastrointestinal stromal tumor. Last evaluated: 2025-10-25. Review status: criteria provided, single submitter. Criteria: Invitae Variant Classification Sherloc (09022015). Collection method: clinical testing. Allele origin: germline.

Laboratory of Genetics, Children's Clinical University Hospital Latvia
Classification: Benign. Last evaluated: 2025-02-16. Review status: criteria provided, single submitter. Criteria: ACMG Guidelines, 2015. Collection method: clinical testing. Allele origin: germline. Affected: yes.

Ambry Genetics
Classification: Likely benign for Hereditary cancer-predisposing syndrome. Last evaluated: 2022-02-13. Review status: criteria provided, single submitter. Criteria: Ambry Variant Classification Scheme 2023. Collection method: clinical testing. Allele origin: germline.